The following is an entry in ClinVar:

NM_001457.4(FLNB):c.6505G>T (p.Val2169Phe)

Gene: FLNB (filamin B; plus strand). Cytogenetic location: 3p14.3.
Variant type: single nucleotide variant.
Coding change: c.6505G>T on transcript NM_001457.4 (MANE Select); coding-DNA position 6505, G replaced by T.
Protein change: p.Val2169Phe; replaces valine 2169 with phenylalanine.
Molecular consequence: missense variant.
Genome position (GRCh38, 1-based): chr3:58,153,512, G>T. VCF-style: chr3-58153512-G-T. GRCh37 (hg19) VCF-style: chr3-58139239-G-T.
Other names: c.6505G>T (NM_001457.3); c.6598G>T, p.Val2200Phe (NM_001164317.2); c.6472G>T, p.Val2158Phe (NM_001164318.2); c.6433G>T, p.Val2145Phe (NM_001164319.2); short protein forms V2145F, V2169F, V2200F, V2158F.
Identifiers: ClinVar variation 2893527 (VCV002893527.4), dbSNP rs202238767, ClinGen allele CA353359464.
Genomic context (GRCh38, chr3:58,153,512, plus strand): 5'-GGGAAGAACTCACACTGCGTCCGGTTTGTGCCCCAGGAGATGGGCGTGCACACGGTCAGC[G>T]TCAAGTACCGTGGGCAGCACGTCACCGGCAGCCCCTTCCAGTTCACCGTGGGGCCACTTG-3'
Protein context (NP_001448.2, residues 2159-2179): PQEMGVHTVS[Val2169Phe]KYRGQHVTGS

ClinVar aggregate classification (germline): Uncertain significance. Review status: criteria provided, multiple submitters, no conflicts (2 of 4 stars). 2 submissions from 2 submitters: Uncertain significance (2). Last evaluated 2026-01-04.

Conditions:
Inborn genetic diseases. Identifiers: MedGen C0950123, MeSH D030342.

gnomAD v4.1: 2 of 1,614,086 alleles (0.00012%); highest among the groups gnomAD compares: Non-Finnish European, 0.00017%; no homozygotes.

Submissions (2):

Labcorp Genetics (formerly Invitae), Labcorp
Classification: Uncertain significance. Last evaluated: 2026-01-04. Review status: criteria provided, single submitter. Criteria: Invitae Variant Classification Sherloc (09022015). Collection method: clinical testing. Allele origin: germline.
Comment: This sequence change replaces valine, which is neutral and non-polar, with phenylalanine, which is neutral and non-polar, at codon 2169 of the FLNB protein (p.Val2169Phe). This variant is not present in population databases (gnomAD no frequency). This variant has not been reported in the literature in individuals affected with FLNB-related conditions. ClinVar contains an entry for this variant (Variation ID: 2893527). Invitae Evidence Modeling of protein sequence and biophysical properties (such as structural, functional, and spatial information, amino acid conservation, physicochemical variation, residue mobility, and thermodynamic stability) indicates that this missense variant is not expected to disrupt FLNB protein function with a negative predictive value of 80%. In summary, the available evidence is currently insufficient to determine the role of this variant in disease. Therefore, it has been classified as a Variant of Uncertain Significance.

Ambry Genetics
Classification: Uncertain significance for Inborn genetic diseases. Last evaluated: 2025-04-20. Review status: criteria provided, single submitter. Criteria: Ambry Variant Classification Scheme 2023. Collection method: clinical testing. Allele origin: germline.